The following is an entry in ClinVar:

NM_172107.4(KCNQ2):c.1503C>G (p.Ala501=)

Gene: KCNQ2 (potassium voltage-gated channel subfamily Q member 2; minus strand). Cytogenetic location: 20q13.33.
Variant type: single nucleotide variant.
Coding change: c.1503C>G on transcript NM_172107.4 (MANE Select); coding-DNA position 1503, C replaced by G.
Protein change: p.Ala501=; no amino-acid change (alanine 501 retained).
Molecular consequence: synonymous variant.
Genome position (GRCh38, 1-based): chr20:63,414,925, G>C on the plus strand (C>G on the coding strand, the complement: KCNQ2 is on the minus strand). VCF-style: chr20-63414925-G-C. GRCh37 (hg19) VCF-style: chr20-62046278-G-C.
Other names: p.Ala501=; c.1419C>G, p.Ala473= (NM_004518.6); c.1449C>G, p.Ala483= (NM_172106.3); c.1413C>G, p.Ala471= (NM_172108.5).
Identifiers: ClinVar variation 129337 (VCV000129337.30), dbSNP rs1801545, ClinGen allele CA153290.

ClinVar aggregate classification (germline): Benign. Review status: criteria provided, multiple submitters, no conflicts (2 of 4 stars). 10 submissions from 10 submitters: Benign (7). 3 of the submissions do not count toward it. Last evaluated 2026-02-04.

Conditions:
Early-infantile DEE. Also called: Ohtahara syndrome; Early infantile epileptic encephalopathy; Early infantile epileptic encephalopathy with suppression bursts. Identifiers: Orphanet 1934, MedGen C0393706, MONDO:0800491.
Inborn genetic diseases. Identifiers: MedGen C0950123, MeSH D030342.
Seizures, benign familial neonatal, 1. Also called: KCNQ2-Related Self-Limited Familial Neonatal Epilepsy (SLFNE); Seizures, benign neonatal, 1; Benign Neonatal Epilepsy 1; KCNQ2-Related Benign Familial Neonatal Epilepsy. Identifiers: Orphanet 1949, MedGen C3149074, MONDO:0007365, OMIM 121200.

Allele frequency attached by ClinVar (database versions not stated): 1000 Genomes Project 30x 0.07011; TOPMed 0.09640; ESP Exome Variant Server 0.10357; 1000 Genomes Project 0.06929.
gnomAD v4.1: 127,638 of 1,612,436 alleles (7.9%); highest among the groups gnomAD compares: African/African-American, 14%; 5,593 homozygotes.

Submissions (10):

Labcorp Genetics (formerly Invitae), Labcorp
Classification: Benign for Early-infantile DEE. Last evaluated: 2026-02-04. Review status: criteria provided, single submitter. Criteria: Invitae Variant Classification Sherloc (09022015). Collection method: clinical testing. Allele origin: germline.

Mayo Clinic Laboratories, Mayo Clinic
Classification: Benign. Last evaluated: 2018-04-10. Review status: criteria provided, single submitter. Criteria: ACMG Guidelines, 2015. Collection method: clinical testing. Allele origin: germline. Observed: 95 variant alleles.

Athena Diagnostics
Classification: Benign for Seizures, benign familial neonatal, 1. Last evaluated: 2017-04-26. Review status: criteria provided, single submitter. Criteria: Athena Diagnostics Criteria. Collection method: clinical testing. Allele origin: germline.

Ambry Genetics
Classification: Benign for Inborn genetic diseases. Last evaluated: 2015-12-31. Review status: criteria provided, single submitter. Criteria: Ambry Variant Classification Scheme 2023. Collection method: clinical testing. Allele origin: germline.

GeneDx
Classification: Benign. Last evaluated: 2015-03-03. Review status: criteria provided, single submitter. Criteria: GeneDx Variant Classification Process June 2021. Collection method: clinical testing. Allele origin: germline. Affected: yes.

Breakthrough Genomics
Classification: Benign. Review status: criteria provided, single submitter. Criteria: ACMG Guidelines, 2015. Collection method: not provided. Allele origin: germline. Inheritance: Autosomal dominant inheritance. Affected: yes.

PreventionGenetics, part of Exact Sciences
Classification: Benign. Review status: criteria provided, single submitter. Criteria: ACMG Guidelines, 2015. Collection method: clinical testing. Allele origin: germline.

Diagnostic Laboratory, Department of Genetics, University Medical Center Groningen
Classification: Benign. Review status: no assertion criteria provided. Collection method: clinical testing. Allele origin: germline. Affected: yes. Study: VKGL Data-share Consensus. Not counted in ClinVar's aggregate classification.

Genetic Services Laboratory, University of Chicago
Classification: Likely benign for AllHighlyPenetrant. Review status: no assertion criteria provided. Collection method: clinical testing. Allele origin: germline. Inheritance: Autosomal dominant inheritance. Not counted in ClinVar's aggregate classification.
Comment: Likely benign based on allele frequency in 1000 Genomes Project or ESP global frequency and its presence in a patient with a rare or unrelated disease phenotype. NOT Sanger confirmed.

Genome Diagnostics Laboratory, University Medical Center Utrecht
Classification: Benign. Review status: no assertion criteria provided. Collection method: clinical testing. Allele origin: germline. Affected: yes. Study: VKGL Data-share Consensus. Not counted in ClinVar's aggregate classification.